The following is an entry in ClinVar:

ClinVar aggregate classification (germline): Uncertain significance. Review status: criteria provided, multiple submitters, no conflicts (2 of 4 stars). 3 submissions from 3 submitters: Uncertain significance (3). Last evaluated 2025-06-24.

Conditions:
Lynch syndrome 4 (LYNCH4). Also called: Colorectal cancer, hereditary nonpolyposis, type 4; Hereditary non-polyposis colorectal cancer, type 4. Identifiers: Orphanet 144, MedGen C1838333, MONDO:0013699, OMIM 614337. Disease mechanism: loss of function.
Mismatch repair cancer syndrome 4. Identifiers: MedGen C5436817, MONDO:0030843, OMIM 619101.
Hereditary cancer-predisposing syndrome. Also called: Tumor predisposition; Hereditary Cancer Syndrome; Neoplastic Syndromes, Hereditary; Hereditary neoplastic syndrome. Identifiers: Orphanet 140162, MedGen C0027672, MeSH D009386, MONDO:0015356.

Submissions (3):

Ambry Genetics
Classification: Uncertain significance for Hereditary cancer-predisposing syndrome. Last evaluated: 2025-06-24. Review status: criteria provided, single submitter. Criteria: Ambry Variant Classification Scheme 2023. Collection method: clinical testing. Allele origin: germline.
Comment: The c.706-3delCinsTA intronic variant, located in intron 6 of the PMS2 gene, results from the deletion of one nucleotide (C) and the insertion of two nucleotides (TA) at nucleotide position c.706-3. This nucleotide position is not well conserved in available vertebrate species. In silico splice site analysis predicts that this alteration may weaken the native splice acceptor site. Based on the available evidence, the clinical significance of this variant remains unclear.

Color Diagnostics, LLC DBA Color Health
Classification: Uncertain significance for Hereditary cancer-predisposing syndrome. Last evaluated: 2023-05-23. Review status: criteria provided, single submitter. Criteria: ACMG Guidelines, 2015. Collection method: clinical testing. Allele origin: germline.
Comment: This variant causes deletion of a nucleotide and insertion of two nucleotides in intron 6 of the PMS2 gene. Splice site prediction tools are inconclusive regarding the impact of this variant on RNA splicing. To our knowledge, functional studies have not been reported for this variant. This variant has not been reported in individuals affected with PMS2-related disorders in the literature. This variant has not been identified in the general population by the Genome Aggregation Database (gnomAD). The available evidence is insufficient to determine the role of this variant in disease conclusively. Therefore, this variant is classified as a Variant of Uncertain Significance.

Fulgent Genetics
Classification: Uncertain significance for Lynch syndrome 4; Mismatch repair cancer syndrome 4. Last evaluated: 2022-03-23. Review status: criteria provided, single submitter. Criteria: ACMG Guidelines, 2015. Collection method: clinical testing. Allele origin: unknown.

NM_000535.7(PMS2):c.706-3delinsTA

Gene: PMS2 (PMS1 homolog 2, mismatch repair system component; minus strand). Cytogenetic location: 7p22.1.
Variant type: Indel.
Coding change: c.706-3delinsTA on transcript NM_000535.7 (MANE Select); 3 bases into the intron before coding-DNA position 706, C replaced by TA.
Molecular consequence: intron variant.
Genome position (GRCh38, 1-based): chr7:5,997,426, G replaced by TA on the plus strand (C replaced by TA on the coding strand, the reverse complement: PMS2 is on the minus strand). VCF-style: chr7-5997426-G-TA. GRCh37 (hg19) VCF-style: chr7-6037057-G-TA.
Other names: c.706-3delCinsTA (NM_000535.5); c.388-3delinsTA (NM_001322008.2, NM_001322007.2); c.301-3delinsTA (NM_001322010.2, NM_001322004.2, NM_001322003.2 and 2 more transcripts); c.133-3delinsTA (NM_001322013.2); c.-228-3delinsTA (NM_001322012.2, NM_001322011.2); c.397-3delinsTA (NM_001322015.2); c.706-3delinsTA (NM_001322006.2, NM_001322014.2).
Identifiers: ClinVar variation 1332203 (VCV001332203.6), dbSNP rs1436961952, ClinGen allele CA2573052901.